The following is an entry in ClinVar:

ClinVar aggregate classification (germline): Likely benign. Review status: criteria provided, multiple submitters, no conflicts (2 of 4 stars). 2 submissions from 2 submitters: Likely benign (2). Last evaluated 2017-11-29.

Allele frequency attached by ClinVar (database versions not stated): gnomAD 0.00003; TOPMed 0.00006; gnomAD exomes 0.00007; ExAC 0.00009.
gnomAD v4.1: 72 of 1,551,660 alleles (0.0046%); highest among the groups gnomAD compares: South Asian, 0.02%; no homozygotes.

Submissions (2):

GeneDx
Classification: Likely benign. Last evaluated: 2017-11-29. Review status: criteria provided, single submitter. Criteria: GeneDx Variant Classification (06012015). Collection method: clinical testing. Allele origin: germline. Affected: yes.
Comment: This variant is considered likely benign or benign based on one or more of the following criteria: it is a conservative change, it occurs at a poorly conserved position in the protein, it is predicted to be benign by multiple in silico algorithms, and/or has population frequency not consistent with disease.

Breakthrough Genomics
Classification: Likely benign. Review status: criteria provided, single submitter. Criteria: ACMG Guidelines, 2015. Collection method: not provided. Allele origin: germline. Inheritance: Autosomal recessive inheritance. Affected: yes.

NM_001130987.2(DYSF):c.4473C>T (p.Asp1491=)

Gene: DYSF (dysferlin; plus strand). Cytogenetic location: 2p13.2.
Variant type: single nucleotide variant.
Coding change: c.4473C>T on transcript NM_001130987.2 (MANE Select); coding-DNA position 4473, C replaced by T.
Protein change: p.Asp1491=; no amino-acid change (aspartic acid 1491 retained).
Molecular consequence: synonymous variant. On other transcripts: intron variant (8).
Genome position (GRCh38, 1-based): chr2:71,620,555, C>T. VCF-style: chr2-71620555-C-T. GRCh37 (hg19) VCF-style: chr2-71847685-C-T.
Other names: c.4377C>T, p.Asp1459= (NM_001130977.2); c.4419C>T, p.Asp1473= (NM_001130978.2); c.4470C>T, p.Asp1490= (NM_001130981.2); c.4422C>T, p.Asp1474= (NM_001130983.2); c.4380C>T, p.Asp1460= (NM_001130984.2); c.4503+7145C>T (NM_001130979.2); c.4461+7145C>T (NM_001130980.2); c.4410+7145C>T (NM_003494.4); and 5 more.
Identifiers: ClinVar variation 513723 (VCV000513723.2), dbSNP rs948317553, ClinGen allele CA1707024.